The following is an entry in ClinVar:

ClinVar aggregate classification (germline): Uncertain significance (1 of 4 stars; one submission).

gnomAD v4.1: 2 of 1,614,146 alleles (0.00012%); no homozygotes.

Submission:

Ambry Genetics
Classification: Uncertain significance. Last evaluated: 2023-12-11. Review status: criteria provided, single submitter. Criteria: Ambry Variant Classification Scheme 2023. Collection method: clinical testing. Allele origin: germline.
Comment: The p.L217Q variant (also known as c.650T>A), located in coding exon 4 of the MNDA gene, results from a T to A substitution at nucleotide position 650. The leucine at codon 217 is replaced by glutamine, an amino acid with dissimilar properties. This amino acid position is conserved. In addition, the in silico prediction for this alteration is inconclusive. Since supporting evidence is limited at this time, the clinical significance of this alteration remains unclear.

NM_002432.3(MNDA):c.650T>A (p.Leu217Gln)

Gene: MNDA (myeloid cell nuclear differentiation antigen; plus strand). Cytogenetic location: 1q23.1.
Variant type: single nucleotide variant.
Coding change: c.650T>A on transcript NM_002432.3 (MANE Select); coding-DNA position 650, T replaced by A.
Protein change: p.Leu217Gln; replaces leucine 217 with glutamine.
Molecular consequence: missense variant.
Genome position (GRCh38, 1-based): chr1:158,845,666, T>A. VCF-style: chr1-158845666-T-A. GRCh37 (hg19) VCF-style: chr1-158815456-T-A.
Other names: short protein forms L217Q.
Identifiers: ClinVar variation 1753960 (VCV001753960.2), dbSNP rs754740104, ClinGen allele CA343040914.